The following is an entry in ClinVar:

ClinVar aggregate classification (germline): Uncertain significance (1 of 4 stars; one submission).

Allele frequency attached by ClinVar (database versions not stated): gnomAD exomes 0.00003; gnomAD 0.00004 and 0.00005; ExAC 0.00006; ESP Exome Variant Server 0.00008; 1000 Genomes Project 30x 0.00016; 1000 Genomes Project 0.00020.

Submission:

GeneDx
Classification: Uncertain significance. Last evaluated: 2020-07-30. Review status: criteria provided, single submitter. Criteria: GeneDx Variant Classification Process June 2021. Collection method: clinical testing. Allele origin: germline. Affected: yes.
Comment: Has not been previously published as pathogenic or benign to our knowledge; In silico analysis supports that this missense variant has a deleterious effect on protein structure/function

NM_001018116.2(CAVIN4):c.683C>T (p.Pro228Leu)

Gene: CAVIN4 (caveolae associated protein 4; plus strand). Cytogenetic location: 9q31.1.
Variant type: single nucleotide variant.
Coding change: c.683C>T on transcript NM_001018116.2 (MANE Select); coding-DNA position 683, C replaced by T.
Protein change: p.Pro228Leu; replaces proline 228 with leucine.
Molecular consequence: missense variant.
Genome position (GRCh38, 1-based): chr9:100,586,039, C>T. VCF-style: chr9-100586039-C-T. GRCh37 (hg19) VCF-style: chr9-103348321-C-T.
Other names: short protein forms P228L.
Identifiers: ClinVar variation 1303314 (VCV001303314.2), dbSNP rs144516649, ClinGen allele CA5160129.
Genomic context (GRCh38, chr9:100,586,039, plus strand): 5'-AGAAGACACGGCAGAATCTTGACAAGAAAGTGAACAGAATTAGAACTAGAATAGTGACCC[C>T]GGAGAGGAGAGAGAGGCTAAGGCAGTCAGGAGAGAGGCTGAGACAGTCAGGGGAGAGGCT-3'
Protein context (NP_001018126.1, residues 218-238): VNRIRTRIVT[Pro228Leu]ERRERLRQSG